The following is an entry in ClinVar:

NM_000138.5(FBN1):c.4424G>A (p.Gly1475Asp)

Gene: FBN1 (fibrillin 1; minus strand). Cytogenetic location: 15q21.1.
Variant type: single nucleotide variant.
Coding change: c.4424G>A on transcript NM_000138.5 (MANE Select); coding-DNA position 4424, G replaced by A.
Protein change: p.Gly1475Asp; replaces glycine 1475 with aspartic acid.
Molecular consequence: missense variant.
Genome position (GRCh38, 1-based): chr15:48,470,669, C>T on the plus strand (G>A on the coding strand, the complement: FBN1 is on the minus strand). VCF-style: chr15-48470669-C-T. GRCh37 (hg19) VCF-style: chr15-48762866-C-T.
Other names: c.4424G>A, p.Gly1475Asp (NM_001406716.1); short protein forms G1475D.
Identifiers: ClinVar variation 4783796 (VCV004783796.1).

ClinVar aggregate classification (germline): Pathogenic (1 of 4 stars; one submission).

Conditions:
Marfan syndrome (MFS). Also called: FBN1-Related Marfan Syndrome; MARFAN SYNDROME, TYPE I; Marfan syndrome type 1; Marfan's syndrome; Marfan syndrome, classic. Identifiers: Orphanet 284963, Orphanet 558, MedGen C0024796, MONDO:0007947, OMIM 154700.
Familial thoracic aortic aneurysm and aortic dissection (TAAD). Also called: Thoracic aortic aneurysms and dissections. Identifiers: Orphanet 91387, MedGen C4707243, MONDO:0019625.

Submission:

Labcorp Genetics (formerly Invitae), Labcorp
Classification: Pathogenic for Marfan syndrome; Familial thoracic aortic aneurysm and aortic dissection. Last evaluated: 2025-06-10. Review status: criteria provided, single submitter. Criteria: Invitae Variant Classification Sherloc (09022015). Collection method: clinical testing. Allele origin: germline.
Comment: This sequence change replaces glycine, which is neutral and non-polar, with aspartic acid, which is acidic and polar, at codon 1475 of the FBN1 protein (p.Gly1475Asp). This variant is not present in population databases (gnomAD no frequency). This missense change has been observed in individuals with clinical features of FBN1-related conditions (PMID: 25652356; internal data). Invitae Evidence Modeling of protein sequence and biophysical properties (such as structural, functional, and spatial information, amino acid conservation, physicochemical variation, residue mobility, and thermodynamic stability) indicates that this missense variant is expected to disrupt FBN1 protein function with a positive predictive value of 95%. This variant disrupts the p.Gly1475 amino acid residue in FBN1. Other variant(s) that disrupt this residue have been determined to be pathogenic (PMID: 16220557). This suggests that this residue is clinically significant, and that variants that disrupt this residue are likely to be disease-causing. For these reasons, this variant has been classified as Pathogenic.

Literature cited by the submitters: PubMed 25652356; PubMed 16220557.